The following is an entry in ClinVar:

NM_001366385.1(CARD14):c.1385C>T (p.Thr462Met)

Gene: CARD14 (caspase recruitment domain family member 14; plus strand). Cytogenetic location: 17q25.3.
Variant type: single nucleotide variant.
Coding change: c.1385C>T on transcript NM_001366385.1 (MANE Select); coding-DNA position 1385, C replaced by T.
Protein change: p.Thr462Met; replaces threonine 462 with methionine.
Molecular consequence: missense variant. On other transcripts: non-coding transcript variant (1).
Genome position (GRCh38, 1-based): chr17:80,195,219, C>T. VCF-style: chr17-80195219-C-T. GRCh37 (hg19) VCF-style: chr17-78169018-C-T.
Other names: c.1385C>T (NM_024110.3); c.1385C>T, p.Thr462Met (NM_001257970.1, NM_024110.4); c.674C>T, p.Thr225Met (NM_052819.3); short protein forms T462M, T225M.
Identifiers: ClinVar variation 527890 (VCV000527890.20), dbSNP rs368239982, ClinGen allele CA8816810.

ClinVar aggregate classification (germline): Conflicting classifications of pathogenicity. Review status: criteria provided, conflicting classifications (1 of 4 stars). 6 submissions from 6 submitters: Uncertain significance (2); Likely benign (4). Last evaluated 2026-01-22.

Conditions:
CARD14-related disorder. Also called: CARD14-related condition.
Autoinflammatory syndrome. Identifiers: Orphanet 93665, MedGen C3890737, MONDO:0019751.
Inborn genetic diseases. Identifiers: MedGen C0950123, MeSH D030342.
Pityriasis rubra pilaris (PRP). Also called: Pityriasis rubra pilaris--familial type. Identifiers: Orphanet 2897, MedGen C0032027, MONDO:0100017, OMIM 173200, MONDO:0008251.
Psoriasis 2. Identifiers: MedGen C1864497, MONDO:0011269, OMIM 602723.

Allele frequency attached by ClinVar (database versions not stated): gnomAD 0.00035; 1000 Genomes Project 0.00020; ESP Exome Variant Server 0.00023; 1000 Genomes Project 30x 0.00031; TOPMed 0.00034.
gnomAD v4.1: 778 of 1,610,532 alleles (0.048%); highest among the groups gnomAD compares: South Asian, 0.12%; no homozygotes.

Submissions (6):

Women's Health and Genetics/Laboratory Corporation of America, LabCorp
Classification: Likely benign. Last evaluated: 2026-01-22. Review status: criteria provided, single submitter. Criteria: LabCorp Variant Classification Summary - May 2015. Collection method: clinical testing. Allele origin: germline.

Labcorp Genetics (formerly Invitae), Labcorp
Classification: Likely benign for Pityriasis rubra pilaris; Psoriasis 2. Last evaluated: 2025-12-30. Review status: criteria provided, single submitter. Criteria: Invitae Variant Classification Sherloc (09022015). Collection method: clinical testing. Allele origin: germline.

Ambry Genetics
Classification: Uncertain significance for Inborn genetic diseases. Last evaluated: 2024-12-12. Review status: criteria provided, single submitter. Criteria: Ambry Variant Classification Scheme 2023. Collection method: clinical testing. Allele origin: germline.

Blueprint Genetics
Classification: Likely benign. Last evaluated: 2024-03-08. Review status: criteria provided, single submitter. Criteria: ACMG Guidelines, 2015. Collection method: clinical testing. Allele origin: germline.

PreventionGenetics, part of Exact Sciences
Classification: Uncertain significance for CARD14-related condition. Last evaluated: 2023-05-23. Review status: criteria provided, single submitter. Criteria: ACMG Guidelines, 2015. Collection method: clinical testing. Allele origin: germline.
Comment: The CARD14 c.1385C>T variant is predicted to result in the amino acid substitution p.Thr462Met. To our knowledge, this variant has not been reported in the literature. This variant is reported in 0.12% of alleles in individuals of South Asian descent in gnomAD. Although we suspect that this variant may be benign, at this time, the clinical significance of this variant is uncertain due to the absence of conclusive functional and genetic evidence.

Genome Diagnostics Laboratory, The Hospital for Sick Children
Classification: Likely benign for Autoinflammatory syndrome. Last evaluated: 2022-02-18. Review status: criteria provided, single submitter. Criteria: ACMG Guidelines, 2015. Collection method: clinical testing. Allele origin: germline. Affected: yes.